The following is an entry in ClinVar:

ClinVar aggregate classification (germline): Uncertain significance. Review status: criteria provided, multiple submitters, no conflicts (2 of 4 stars). 3 submissions from 3 submitters: Uncertain significance (3). Last evaluated 2026-01-21.

Conditions:
Niemann-Pick disease, type C1. Also called: NEUROVISCERAL STORAGE DISEASE WITH VERTICAL SUPRANUCLEAR OPHTHALMOPLEGIA; NIEMANN-PICK DISEASE WITH CHOLESTEROL ESTERIFICATION BLOCK; NIEMANN-PICK DISEASE WITHOUT SPHINGOMYELINASE DEFICIENCY; NIEMANN-PICK DISEASE, CHRONIC NEURONOPATHIC FORM; NIEMANN-PICK DISEASE, VARIANT TYPE C1. Identifiers: Orphanet 646, MedGen C3179455, MONDO:0009757, OMIM 257220.

Allele frequency attached by ClinVar (database versions not stated): gnomAD exomes 0.00004 and 0.00010; ExAC 0.00005; gnomAD 0.00011; TOPMed 0.00011.
gnomAD v4.1: 167 of 1,613,938 alleles (0.01%); highest among the groups gnomAD compares: Non-Finnish European, 0.013%; 1 homozygote.

Submissions (3):

Labcorp Genetics (formerly Invitae), Labcorp
Classification: Uncertain significance for Niemann-Pick disease, type C1. Last evaluated: 2026-01-21. Review status: criteria provided, single submitter. Criteria: Invitae Variant Classification Sherloc (09022015). Collection method: clinical testing. Allele origin: germline.
Comment: This sequence change replaces valine, which is neutral and non-polar, with methionine, which is neutral and non-polar, at codon 1184 of the NPC1 protein (p.Val1184Met). This variant is present in population databases (rs767795351, gnomAD 0.01%). This variant has not been reported in the literature in individuals affected with NPC1-related conditions. ClinVar contains an entry for this variant (Variation ID: 593066). Invitae Evidence Modeling of protein sequence and biophysical properties (such as structural, functional, and spatial information, amino acid conservation, physicochemical variation, residue mobility, and thermodynamic stability) indicates that this missense variant is expected to disrupt NPC1 protein function with a positive predictive value of 95%. In summary, the available evidence is currently insufficient to determine the role of this variant in disease. Therefore, it has been classified as a Variant of Uncertain Significance.

Foundation for Research in Genetics and Endocrinology, FRIGE's Institute of Human Genetics
Classification: Uncertain significance for Niemann-Pick disease, type C1. Last evaluated: 2024-03-22. Review status: criteria provided, single submitter. Criteria: ACMG Guidelines, 2015. Collection method: clinical testing. Allele origin: germline. Inheritance: Autosomal recessive inheritance. Affected: yes. Observed: 1 homozygote.
Comment: A homozygous missense variant in exon 23 of the NPC1 gene that results in the amino acid substitution of Methionine for Valine at codon 1184 was detected. The observed variant c.3550G>A (p.Val1184Met) has not been reported in the 1000 genomes and has a MAF of 0.004% in the gnomAD databases. The in silico prediction of the variant is damaging by DANN and MutationTaster2. In summary, the variant meets our criteria to be classified as a variant of uncertain significance.

Eurofins Ntd Llc (ga)
Classification: Uncertain significance. Last evaluated: 2017-07-10. Review status: criteria provided, single submitter. Criteria: EGL Classification Definitions 2015. Collection method: clinical testing. Allele origin: germline. Observed: 1 variant allele, 1 heterozygote.

NM_000271.5(NPC1):c.3550G>A (p.Val1184Met)

Gene: NPC1 (NPC intracellular cholesterol transporter 1; minus strand). Cytogenetic location: 18q11.2.
Variant type: single nucleotide variant.
Coding change: c.3550G>A on transcript NM_000271.5 (MANE Select); coding-DNA position 3550, G replaced by A.
Protein change: p.Val1184Met; replaces valine 1184 with methionine.
Molecular consequence: missense variant.
Genome position (GRCh38, 1-based): chr18:23,534,487, C>T on the plus strand (G>A on the coding strand, the complement: NPC1 is on the minus strand). VCF-style: chr18-23534487-C-T. GRCh37 (hg19) VCF-style: chr18-21114451-C-T.
Other names: p.Val1184Met; short protein forms V1184M.
Identifiers: ClinVar variation 593066 (VCV000593066.7), dbSNP rs767795351, ClinGen allele CA8912736.